The following is an entry in ClinVar:

ClinVar aggregate classification (germline): Likely benign. Review status: criteria provided, multiple submitters, no conflicts (2 of 4 stars). 2 submissions from 2 submitters: Likely benign (2). Last evaluated 2018-01-13.

Conditions:
Knobloch syndrome (KNO). Also called: RETINAL DETACHMENT AND OCCIPITAL ENCEPHALOCELE; Myopia retinal detachment encephalocele. Identifiers: Orphanet 1571, MedGen C1849409, MONDO:0800166.

Allele frequency attached by ClinVar (database versions not stated): 1000 Genomes Project 0.00300; 1000 Genomes Project 30x 0.00359; gnomAD 0.00656 and 0.00666; TOPMed 0.00698; gnomAD exomes 0.00834.
gnomAD v4.1: 3,692 of 469,388 alleles (0.79%); highest among the groups gnomAD compares: Middle Eastern, 1.8%; 17 homozygotes.

Submissions (2):

Illumina Laboratory Services, Illumina
Classification: Likely benign for Knobloch syndrome 1. Last evaluated: 2018-01-13. Review status: criteria provided, single submitter. Criteria: ICSL Variant Classification Criteria 13 December 2019. Collection method: clinical testing. Allele origin: germline.
Comment: This variant was observed in the ICSL laboratory as part of a predisposition screen in an ostensibly healthy population. It had not been previously curated by ICSL or reported in the Human Gene Mutation Database (HGMD: prior to June 1st, 2018), and was therefore a candidate for classification through an automated scoring system. Utilizing variant allele frequency, disease prevalence and penetrance estimates, and inheritance mode, an automated score was calculated to assess if this variant is too frequent to cause the disease. Based on the score and internal cut-off values, a variant classified as likely benign is not then subjected to further curation. The score for this variant resulted in a classification of likely benign for this disease.

Breakthrough Genomics
Classification: Likely benign. Review status: criteria provided, single submitter. Criteria: ACMG Guidelines, 2015. Collection method: not provided. Allele origin: germline. Inheritance: Autosomal recessive inheritance. Affected: yes.

NM_001379500.1(COL18A1):c.*302C>A

Genes: COL18A1 (collagen type XVIII alpha 1 chain; plus strand), SLC19A1 (solute carrier family 19 member 1; minus strand). Cytogenetic location: 21q22.3.
Variant type: single nucleotide variant.
Coding change: c.*302C>A on transcript NM_001379500.1 (MANE Select); 302 bases downstream of the stop codon, C replaced by A.
Molecular consequence: 3 prime UTR variant.
Genome position (GRCh38, 1-based): chr21:45,512,700, C>A. VCF-style: chr21-45512700-C-A. GRCh37 (hg19) VCF-style: chr21-46932614-C-A.
Other names: NM_130445.2:c.*302C>A; c.*2276G>T (NM_001205206.4, NM_001352511.3); c.*2958G>T (NM_001205207.3, NM_001352510.2, NM_001352512.2 and 1 more transcripts); c.*302C>A (NM_030582.4, NM_130444.3).
Identifiers: ClinVar variation 340280 (VCV000340280.6), dbSNP rs17255281, ClinGen allele CA10653685.